The following is an entry in ClinVar:

NM_004667.6(HERC2):c.2766C>G (p.Asn922Lys)

Gene: HERC2 (HECT and RLD domain containing E3 ubiquitin protein ligase 2; minus strand). Cytogenetic location: 15q13.1.
Variant type: single nucleotide variant.
Coding change: c.2766C>G on transcript NM_004667.6 (MANE Select); coding-DNA position 2766, C replaced by G.
Protein change: p.Asn922Lys; replaces asparagine 922 with lysine.
Molecular consequence: missense variant.
Genome position (GRCh38, 1-based): chr15:28,255,977, G>C on the plus strand (C>G on the coding strand, the complement: HERC2 is on the minus strand). VCF-style: chr15-28255977-G-C. GRCh37 (hg19) VCF-style: chr15-28501123-G-C.
Other names: c.2766C>G (NM_004667.4); short protein forms N922K.
Identifiers: ClinVar variation 1031459 (VCV001031459.7), dbSNP rs139868155, ClinGen allele CA7443089.

ClinVar aggregate classification (germline): Uncertain significance. Review status: criteria provided, multiple submitters, no conflicts (2 of 4 stars). 3 submissions from 3 submitters: Uncertain significance (3). Last evaluated 2023-03-10.

Conditions:
Inborn genetic diseases. Identifiers: MedGen C0950123, MeSH D030342.
Developmental delay with autism spectrum disorder and gait instability (MRT38). Also called: Intellectual developmental disorder, autosomal recessive 38. Identifiers: Orphanet 329195, MedGen C3809753, MONDO:0014224, OMIM 615516.

Allele frequency attached by ClinVar (database versions not stated): ExAC 0.00019; 1000 Genomes Project 0.00020; gnomAD exomes 0.00020 and 0.00022; 1000 Genomes Project 30x 0.00031; gnomAD 0.00038 and 0.00039; ESP Exome Variant Server 0.00054; TOPMed 0.00068.
gnomAD v4.1: 369 of 1,606,288 alleles (0.023%); highest among the groups gnomAD compares: Admixed American, 0.09%; 1 homozygote.

Submissions (3):

GeneDx
Classification: Uncertain significance. Last evaluated: 2023-03-10. Review status: criteria provided, single submitter. Criteria: GeneDx Variant Classification Process June 2021. Collection method: clinical testing. Allele origin: germline. Affected: yes.
Comment: In silico analysis supports that this missense variant does not alter protein structure/function; Has not been previously published as pathogenic or benign to our knowledge

Ambry Genetics
Classification: Uncertain significance for Inborn genetic diseases. Last evaluated: 2021-09-14. Review status: criteria provided, single submitter. Criteria: Ambry Variant Classification Scheme 2023. Collection method: clinical testing. Allele origin: germline.

Baylor Genetics
Classification: Uncertain significance for Developmental delay with autism spectrum disorder and gait instability. Last evaluated: 2018-08-23. Review status: criteria provided, single submitter. Criteria: ACMG Guidelines, 2015. Collection method: clinical testing. Allele origin: maternal. Affected: yes.
Comment: This variant was determined to be of uncertain significance according to ACMG Guidelines, 2015 [PMID:25741868].